The following is an entry in ClinVar:

ClinVar aggregate classification (germline): Uncertain significance (1 of 4 stars; one submission).

Conditions:
Inborn genetic diseases. Identifiers: MedGen C0950123, MeSH D030342.

Submission:

Ambry Genetics
Classification: Uncertain significance for Inborn genetic diseases. Last evaluated: 2024-09-30. Review status: criteria provided, single submitter. Criteria: Ambry Variant Classification Scheme 2023. Collection method: clinical testing. Allele origin: germline.
Comment: The p.G196R variant (also known as c.586G>C), located in coding exon 3 of the ACD gene, results from a G to C substitution at nucleotide position 586. The glycine at codon 196 is replaced by arginine, an amino acid with dissimilar properties. This amino acid position is conserved. In addition, this alteration is predicted to be tolerated by in silico analysis. Based on the available evidence, the clinical significance of this variant remains unclear.

NM_001082486.2(ACD):c.328G>C (p.Gly110Arg)

Gene: ACD (ACD shelterin complex subunit and telomerase recruitment factor; minus strand). Cytogenetic location: 16q22.1.
Variant type: single nucleotide variant.
Coding change: c.328G>C on transcript NM_001082486.2 (MANE Select); coding-DNA position 328, G replaced by C.
Protein change: p.Gly110Arg; replaces glycine 110 with arginine.
Molecular consequence: missense variant.
Genome position (GRCh38, 1-based): chr16:67,659,710, C>G on the plus strand (G>C on the coding strand, the complement: ACD is on the minus strand). VCF-style: chr16-67659710-C-G. GRCh37 (hg19) VCF-style: chr16-67693613-C-G.
Other names: c.328G>C, p.Gly110Arg (NM_001410884.1); c.319G>C, p.Gly107Arg (NM_022914.3); short protein forms G107R, G110R.
Identifiers: ClinVar variation 3480333 (VCV003480333.1).
Genomic context (GRCh38, chr16:67,659,710, plus strand): 5'-CGTCACGAAGAGTCATGCCCGGTAACCCGCCCAAGGCAGTCTCACCACTCACCGCGCCGC[C>G]CTCAGCGACCTGGACATGAACCCCGCAGTCCTGCAGCAGCAGCAGCCGGCCCTCTGTCCC-3'
Protein context (NP_001075955.2, residues 100-120): DCGVHVQVAE[Gly110Arg]GAPAEFYLQV